The following is an entry in ClinVar:

NM_030632.3(ASXL3):c.2363C>T (p.Ala788Val)

Gene: ASXL3 (ASXL transcriptional regulator 3; plus strand). Cytogenetic location: 18q12.1.
Variant type: single nucleotide variant.
Coding change: c.2363C>T on transcript NM_030632.3 (MANE Select); coding-DNA position 2363, C replaced by T.
Protein change: p.Ala788Val; replaces alanine 788 with valine.
Molecular consequence: missense variant.
Genome position (GRCh38, 1-based): chr18:33,739,767, C>T. VCF-style: chr18-33739767-C-T. GRCh37 (hg19) VCF-style: chr18-31319731-C-T.
Other names: short protein forms A788V.
Identifiers: ClinVar variation 4886383 (VCV004886383.2).

ClinVar aggregate classification (germline): Likely benign (1 of 4 stars; one submission).

Submission:

Dasa
Classification: Likely benign. Last evaluated: 2026-04-06. Review status: criteria provided, single submitter. Criteria: DASA Assertion Criteria. Collection method: clinical testing. Allele origin: germline.
Comment: NM_030632.3(ASXL3):c.2363C>T (p.Ala788Val) is a missense variant that results in the substitution of alanine with valine. The variant context is inconsistent with a known disease-causing mechanism. Computational prediction algorithms are consistent with a benign effect. Therefore, based on the currently available evidence, this variant is classified as likely benign.